The following is an entry in ClinVar:

ClinVar aggregate classification (germline): Uncertain significance (1 of 4 stars; one submission).

Conditions:
Familial cancer of breast. Also called: BREAST CANCER, FAMILIAL; Hereditary breast cancer; hereditary breast carcinoma. Identifiers: Orphanet 227535, MedGen C0346153, MONDO:0016419, OMIM 114480. Disease mechanism: loss of function.
Fanconi anemia complementation group J. Also called: BRIP1-Related Fanconi Anemia. Identifiers: Orphanet 84, MedGen C1836860, MONDO:0012187, OMIM 609054.

Allele frequency attached by ClinVar (database versions not stated): gnomAD exomes below 0.00001; ExAC 0.00001.
gnomAD v4.1: 1 of 1,613,086 alleles (0.000062%); highest among the groups gnomAD compares: Non-Finnish European, 0.000085%; no homozygotes.

Submission:

Labcorp Genetics (formerly Invitae), Labcorp
Classification: Uncertain significance for Familial cancer of breast; Fanconi anemia complementation group J. Last evaluated: 2022-03-07. Review status: criteria provided, single submitter. Criteria: Invitae Variant Classification Sherloc (09022015). Collection method: clinical testing. Allele origin: germline.
Comment: In summary, the available evidence is currently insufficient to determine the role of this variant in disease. Therefore, it has been classified as a Variant of Uncertain Significance. Algorithms developed to predict the effect of missense changes on protein structure and function output the following: SIFT: "Tolerated"; PolyPhen-2: "Benign"; Align-GVGD: "Class C0". The isoleucine amino acid residue is found in multiple mammalian species, which suggests that this missense change does not adversely affect protein function. ClinVar contains an entry for this variant (Variation ID: 943858). This variant has not been reported in the literature in individuals affected with BRIP1-related conditions. This variant is present in population databases (rs781168634, gnomAD 0.0009%). This sequence change replaces valine, which is neutral and non-polar, with isoleucine, which is neutral and non-polar, at codon 390 of the BRIP1 protein (p.Val390Ile).

NM_032043.3(BRIP1):c.1168G>A (p.Val390Ile)

Gene: BRIP1 (BRCA1 interacting DNA helicase 1; minus strand). Cytogenetic location: 17q23.2.
Variant type: single nucleotide variant.
Coding change: c.1168G>A on transcript NM_032043.3 (MANE Select); coding-DNA position 1168, G replaced by A.
Protein change: p.Val390Ile; replaces valine 390 with isoleucine.
Molecular consequence: missense variant.
Genome position (GRCh38, 1-based): chr17:61,799,272, C>T on the plus strand (G>A on the coding strand, the complement: BRIP1 is on the minus strand). VCF-style: chr17-61799272-C-T. GRCh37 (hg19) VCF-style: chr17-59876633-C-T.
Other names: short protein forms V390I.
Identifiers: ClinVar variation 943858 (VCV000943858.10), dbSNP rs781168634, ClinGen allele CA8690779.